The following is an entry in ClinVar:

NC_000006.11:g.(?_65098573)_(65149255_?)dup

Gene: EYS (eyes shut homolog; minus strand). Cytogenetic location: 6q12.
Variant type: Duplication.
Identifiers: ClinVar variation 2423875 (VCV002423875.3).

ClinVar aggregate classification (germline): Likely pathogenic (1 of 4 stars; one submission).

Submission:

Labcorp Genetics (formerly Invitae), Labcorp
Classification: Likely pathogenic. Last evaluated: 2022-06-29. Review status: criteria provided, single submitter. Criteria: Invitae Variant Classification Sherloc (09022015). Collection method: clinical testing. Allele origin: germline.
Comment: This variant results in a copy number gain of the genomic region encompassing exon(s) 27-29 of the EYS gene. While the exact position of this variant cannot be determined from the data, sub-genic copy number gains are generally in tandem (PMID: 25640679). This variant is predicted to be out-of-frame, and may result in an absent or disrupted protein product. Loss-of-function variants in EYS are known to be pathogenic (PMID: 18836446, 20333770). A similar copy number variant has been observed in individual(s) with clinical features of retinitis pigmentosa (Invitae). In summary, the currently available evidence indicates that the variant is pathogenic, but additional data are needed to prove that conclusively. Therefore, this variant has been classified as Likely Pathogenic.

Literature cited by the submitters: PubMed 25640679; PubMed 18836446; PubMed 20333770.